The following is an entry in ClinVar:

ClinVar aggregate classification (germline): Likely pathogenic (1 of 4 stars; one submission).

Conditions:
Lambdoidal craniosynostosis. Identifiers: MedGen C1833340, HP:0004443.

Submission:

Institute of Human Genetics, University of Leipzig Medical Center
Classification: Likely pathogenic for Craniosynostosis 4. Last evaluated: 2025-06-25. Review status: criteria provided, single submitter. Criteria: ACMG Guidelines, 2015. Collection method: clinical testing. Allele origin: unknown. Inheritance: Autosomal dominant inheritance. Affected: yes.
Comment: Criteria applied: PVS1,PM2_SUP

NM_006494.4(ERF):c.879dup (p.Pro294fs)

Gene: ERF (ETS2 repressor factor; minus strand). Cytogenetic location: 19q13.2.
Variant type: Duplication.
Coding change: c.879dup on transcript NM_006494.4 (MANE Select); coding-DNA position 879, one base duplicated (G; older notation c.879dupG).
Protein change: p.Pro294fs; shifts the reading frame from proline 294.
Molecular consequence: frameshift variant.
Genome position (GRCh38, 1-based): chr19:42,249,233, C duplicated on the plus strand (G on the coding strand, the reverse complement: ERF is on the minus strand); the first of 6 consecutive C bases (chr19:42,249,233-42,249,238); duplicating any one gives the same sequence. VCF-style (leftmost placement, unchanged base first): chr19-42249232-G-GC. GRCh37 (hg19) VCF-style: chr19-42753384-G-GC.
Other names: c.654dup, p.Pro219fs (NM_001301035.2, NM_001308402.2, NM_001312656.2); short protein forms P219fs, P294fs.
Identifiers: ClinVar variation 4056331 (VCV004056331.1).